The following is an entry in ClinVar:

ClinVar aggregate classification (germline): Uncertain significance (1 of 4 stars; one submission).

Conditions:
Hereditary breast ovarian cancer syndrome. Also called: Hereditary breast and ovarian cancer syndrome; Hereditary breast and/or ovarian cancer syndrome; BRCA1- and BRCA2-Associated Hereditary Breast and Ovarian Cancer; Breast and ovarian cancer; Hereditary breast and ovarian cancer; Hereditary breast and ovarian cancer syndrome (HBOC). Identifiers: Orphanet 145, MedGen C0677776, MeSH D061325, MONDO:0003582. Disease mechanism: loss of function.

Submission:

Labcorp Genetics (formerly Invitae), Labcorp
Classification: Uncertain significance for Hereditary breast ovarian cancer syndrome. Last evaluated: 2024-08-27. Review status: criteria provided, single submitter. Criteria: Invitae Variant Classification Sherloc (09022015). Collection method: clinical testing. Allele origin: germline.
Comment: This sequence change replaces histidine, which is basic and polar, with proline, which is neutral and non-polar, at codon 1165 of the BRCA2 protein (p.His1165Pro). This variant is not present in population databases (gnomAD no frequency). This variant has not been reported in the literature in individuals affected with BRCA2-related conditions. Invitae Evidence Modeling of protein sequence and biophysical properties (such as structural, functional, and spatial information, amino acid conservation, physicochemical variation, residue mobility, and thermodynamic stability) indicates that this missense variant is not expected to disrupt BRCA2 protein function with a negative predictive value of 95%. In summary, the available evidence is currently insufficient to determine the role of this variant in disease. Therefore, it has been classified as a Variant of Uncertain Significance.

NM_000059.4(BRCA2):c.3494A>C (p.His1165Pro)

Gene: BRCA2 (BRCA2 DNA repair associated; plus strand). Cytogenetic location: 13q13.1.
Variant type: single nucleotide variant.
Coding change: c.3494A>C on transcript NM_000059.4 (MANE Select); coding-DNA position 3494, A replaced by C.
Protein change: p.His1165Pro; replaces histidine 1165 with proline.
Molecular consequence: missense variant. On other transcripts: non-coding transcript variant (1), intron variant (2).
Genome position (GRCh38, 1-based): chr13:32,337,849, A>C. VCF-style: chr13-32337849-A-C. GRCh37 (hg19) VCF-style: chr13-32911986-A-C.
Other names: c.3494A>C, p.His1165Pro (NM_001406719.1, NM_001406720.1, NM_001432077.1); c.1909+4462A>C (NM_001406721.1); c.425-6709A>C (NM_001406722.1); short protein forms H1165P.
Identifiers: ClinVar variation 3707963 (VCV003707963.2).